The following is an entry in ClinVar:

ClinVar aggregate classification (germline): Uncertain significance (1 of 4 stars; one submission).

Conditions:
Hypertrophic cardiomyopathy. Also called: HYPERTROPHIC MYOCARDIOPATHY. Identifiers: Orphanet 217569, MedGen C0007194, MeSH D002312, MONDO:0005045, HP:0001639.

Submission:

Labcorp Genetics (formerly Invitae), Labcorp
Classification: Uncertain significance for Hypertrophic cardiomyopathy. Last evaluated: 2017-11-21. Review status: criteria provided, single submitter. Criteria: Invitae Variant Classification Sherloc (09022015). Collection method: clinical testing. Allele origin: germline.
Comment: This sequence change replaces threonine with asparagine at codon 958 of the MYBPC3 protein (p.Thr958Asn). The threonine residue is moderately conserved and there is a small physicochemical difference between threonine and asparagine. This variant is not present in population databases (ExAC no frequency). This variant has not been reported in the literature in individuals with MYBPC3-related disease. Algorithms developed to predict the effect of missense changes on protein structure and function do not agree on the potential impact of this missense change (SIFT: "Deleterious"; PolyPhen-2: "Possibly Damaging"; Align-GVGD: "Class C0"). In summary, the available evidence is currently insufficient to determine the role of this variant in disease. Therefore, it has been classified as a Variant of Uncertain Significance.

NM_000256.3(MYBPC3):c.2873C>A (p.Thr958Asn)

Gene: MYBPC3 (myosin binding protein C3; minus strand). Cytogenetic location: 11p11.2.
Variant type: single nucleotide variant.
Coding change: c.2873C>A on transcript NM_000256.3 (MANE Select); coding-DNA position 2873, C replaced by A.
Protein change: p.Thr958Asn; replaces threonine 958 with asparagine.
Molecular consequence: missense variant.
Genome position (GRCh38, 1-based): chr11:47,335,074, G>T on the plus strand (C>A on the coding strand, the complement: MYBPC3 is on the minus strand). VCF-style: chr11-47335074-G-T. GRCh37 (hg19) VCF-style: chr11-47356625-G-T.
Other names: c.2873C>A, p.Thr958Asn (LRG_386t1); short protein forms T958N.
Identifiers: ClinVar variation 524985 (VCV000524985.8), dbSNP rs376504548, ClinGen allele CA380316248.